The following is an entry in ClinVar:

NM_000388.4(CASR):c.346G>C (p.Ala116Pro)

Gene: CASR (calcium sensing receptor; plus strand). Cytogenetic location: 3q21.1.
Variant type: single nucleotide variant.
Coding change: c.346G>C on transcript NM_000388.4 (MANE Select); coding-DNA position 346, G replaced by C.
Protein change: p.Ala116Pro; replaces alanine 116 with proline.
Molecular consequence: missense variant.
Genome position (GRCh38, 1-based): chr3:122,257,241, G>C. VCF-style: chr3-122257241-G-C. GRCh37 (hg19) VCF-style: chr3-121976088-G-C.
Other names: c.346G>C, p.Ala116Pro (NM_001178065.2); short protein forms A116P.
Identifiers: ClinVar variation 3759089 (VCV003759089.2).

ClinVar aggregate classification (germline): Uncertain significance (1 of 4 stars; one submission).

Conditions:
Autosomal dominant hypocalcemia 1 (HYPOC1). Also called: HYPOCALCEMIA, FAMILIAL. Identifiers: MedGen C3715128, MONDO:0011013, OMIM 601198.
Familial hypocalciuric hypercalcemia (FHH). Also called: Familial benign hypercalcemia. Identifiers: Orphanet 405, MedGen C1809471, MONDO:0018458.

Submission:

Labcorp Genetics (formerly Invitae), Labcorp
Classification: Uncertain significance for Familial hypocalciuric hypercalcemia; Autosomal dominant hypocalcemia 1. Last evaluated: 2024-10-05. Review status: criteria provided, single submitter. Criteria: Invitae Variant Classification Sherloc (09022015). Collection method: clinical testing. Allele origin: germline.
Comment: This sequence change replaces alanine, which is neutral and non-polar, with proline, which is neutral and non-polar, at codon 116 of the CASR protein (p.Ala116Pro). This variant is not present in population databases (gnomAD no frequency). This missense change has been observed in individual(s) with CASR-related conditions (PMID: 22422767). An algorithm developed to predict the effect of missense changes on protein structure and function (PolyPhen-2) suggests that this variant is likely to be disruptive. In summary, the available evidence is currently insufficient to determine the role of this variant in disease. Therefore, it has been classified as a Variant of Uncertain Significance.

Literature cited by the submitters: PubMed 22422767.